The following is an entry in ClinVar:

NM_006642.5(SDCCAG8):c.533T>C (p.Leu178Pro)

Gene: SDCCAG8 (SHH signaling and ciliogenesis regulator SDCCAG8; plus strand). Cytogenetic location: 1q43.
Variant type: single nucleotide variant.
Coding change: c.533T>C on transcript NM_006642.5 (MANE Select); coding-DNA position 533, T replaced by C.
Protein change: p.Leu178Pro; replaces leucine 178 with proline.
Molecular consequence: missense variant. On other transcripts: 5 prime UTR variant (3).
Genome position (GRCh38, 1-based): chr1:243,286,384, T>C. VCF-style: chr1-243286384-T-C. GRCh37 (hg19) VCF-style: chr1-243449686-T-C.
Other names: c.-580T>C (NM_001350246.2); c.-468T>C (NM_001350247.2); c.533T>C, p.Leu178Pro (NM_001350248.2); c.239T>C, p.Leu80Pro (NM_001350249.2); c.-841T>C (NM_001350251.2); short protein forms L178P, L80P.
Identifiers: ClinVar variation 4984598 (VCV004984598.1).

ClinVar aggregate classification (germline): Uncertain significance (1 of 4 stars; one submission).

Conditions:
SDCCAG8-related disorder. Also called: SDCCAG8-related condition; SDCCAG8-Related Disorders.

gnomAD v4.1: 15 of 1,613,980 alleles (0.00093%); highest among the groups gnomAD compares: Non-Finnish European, 0.0013%; no homozygotes.

Submission:

PreventionGenetics, part of Exact Sciences
Classification: Uncertain significance for SDCCAG8-related condition. Last evaluated: 2026-09-09. Review status: criteria provided, single submitter. Criteria: ACMG Guidelines, 2015. Collection method: clinical testing. Allele origin: germline.
Comment: The SDCCAG8 c.533T>C variant is predicted to result in the amino acid substitution p.Leu178Pro. To our knowledge, this variant has not been reported in the literature. This variant is reported in 0.0018% of alleles in individuals of European (Non-Finnish) descent in gnomAD. At this time, the clinical significance of this variant is uncertain due to the absence of conclusive functional and genetic evidence.